The following is an entry in ClinVar:

ClinVar aggregate classification (germline): Uncertain significance (1 of 4 stars; one submission).

gnomAD v4.1: 6 of 1,614,244 alleles (0.00037%); highest among the groups gnomAD compares: South Asian, 0.0011%; no homozygotes.

Submission:

Mayo Clinic Laboratories, Mayo Clinic
Classification: Uncertain significance. Last evaluated: 2022-03-17. Review status: criteria provided, single submitter. Criteria: ACMG Guidelines, 2015. Collection method: clinical testing. Allele origin: germline. Observed: 1 variant allele.
Comment: PM2

NM_003172.4(SURF1):c.700G>A (p.Ala234Thr)

Gene: SURF1 (SURF1 cytochrome c oxidase assembly factor; minus strand). Cytogenetic location: 9q34.2.
Variant type: single nucleotide variant.
Coding change: c.700G>A on transcript NM_003172.4 (MANE Select); coding-DNA position 700, G replaced by A.
Protein change: p.Ala234Thr; replaces alanine 234 with threonine.
Molecular consequence: missense variant.
Genome position (GRCh38, 1-based): chr9:133,352,497, C>T on the plus strand (G>A on the coding strand, the complement: SURF1 is on the minus strand). VCF-style: chr9-133352497-C-T. GRCh37 (hg19) VCF-style: chr9-136219352-C-T.
Other names: p.Ala234Thr; c.373G>A, p.Ala125Thr (NM_001280787.1); short protein forms A125T, A234T.
Identifiers: ClinVar variation 2683071 (VCV002683071.1), dbSNP rs782685543, ClinGen allele CA200832360.